The following is an entry in ClinVar:

ClinVar aggregate classification (germline): Uncertain significance (1 of 4 stars; one submission).

gnomAD v4.1: 5 of 1,614,138 alleles (0.00031%); highest among the groups gnomAD compares: East Asian, 0.011%; no homozygotes.

Submission:

Labcorp Genetics (formerly Invitae), Labcorp
Classification: Uncertain significance. Last evaluated: 2025-05-27. Review status: criteria provided, single submitter. Criteria: Invitae Variant Classification Sherloc (09022015). Collection method: clinical testing. Allele origin: germline.
Comment: This sequence change replaces leucine, which is neutral and non-polar, with glutamine, which is neutral and polar, at codon 92 of the EMC1 protein (p.Leu92Gln). This variant is present in population databases (rs759012766, gnomAD 0.01%). This variant has not been reported in the literature in individuals affected with EMC1-related conditions. Invitae Evidence Modeling of protein sequence and biophysical properties (such as structural, functional, and spatial information, amino acid conservation, physicochemical variation, residue mobility, and thermodynamic stability) indicates that this missense variant is not expected to disrupt EMC1 protein function with a negative predictive value of 80%. In summary, the available evidence is currently insufficient to determine the role of this variant in disease. Therefore, it has been classified as a Variant of Uncertain Significance.

NM_015047.3(EMC1):c.275T>A (p.Leu92Gln)

Gene: EMC1 (ER membrane protein complex subunit 1; minus strand). Cytogenetic location: 1p36.13.
Variant type: single nucleotide variant.
Coding change: c.275T>A on transcript NM_015047.3 (MANE Select); coding-DNA position 275, T replaced by A.
Protein change: p.Leu92Gln; replaces leucine 92 with glutamine.
Molecular consequence: missense variant. On other transcripts: intron variant (1).
Genome position (GRCh38, 1-based): chr1:19,243,961, A>T on the plus strand (T>A on the coding strand, the complement: EMC1 is on the minus strand). VCF-style: chr1-19243961-A-T. GRCh37 (hg19) VCF-style: chr1-19570455-A-T.
Other names: c.275T>A, p.Leu92Gln (NM_001271427.2, NM_001271428.2, NM_001375820.1 and 1 more transcripts); c.221-254T>A (NM_001271429.2); short protein forms L92Q.
Identifiers: ClinVar variation 4745735 (VCV004745735.1).